The following is an entry in ClinVar:

ClinVar aggregate classification (germline): Uncertain significance (1 of 4 stars; one submission).

gnomAD v4.1: 23 of 1,604,980 alleles (0.0014%); highest among the groups gnomAD compares: Middle Eastern, 0.033%; no homozygotes.

Submission:

GeneDx
Classification: Uncertain significance. Last evaluated: 2024-05-09. Review status: criteria provided, single submitter. Criteria: GeneDx Variant Classification Process June 2021. Collection method: clinical testing. Allele origin: germline. Affected: yes.
Comment: Not observed at significant frequency in large population cohorts (gnomAD); In silico analysis supports that this missense variant has a deleterious effect on protein structure/function; Has not been previously published as pathogenic or benign to our knowledge

NM_001042545.2(LTBP4):c.4619G>A (p.Gly1540Glu)

Gene: LTBP4 (latent transforming growth factor beta binding protein 4; plus strand). Cytogenetic location: 19q13.2.
Variant type: single nucleotide variant.
Coding change: c.4619G>A on transcript NM_001042545.2 (MANE Select); coding-DNA position 4619, G replaced by A.
Protein change: p.Gly1540Glu; replaces glycine 1540 with glutamic acid.
Molecular consequence: missense variant.
Genome position (GRCh38, 1-based): chr19:40,629,495, G>A. VCF-style: chr19-40629495-G-A. GRCh37 (hg19) VCF-style: chr19-41135400-G-A.
Other names: c.4820G>A, p.Gly1607Glu (NM_001042544.1); c.4709G>A, p.Gly1570Glu (NM_003573.2); short protein forms G1540E, G1570E, G1607E.
Identifiers: ClinVar variation 3375733 (VCV003375733.1).
Genomic context (GRCh38, chr19:40,629,495, plus strand): 5'-TGTGCGTCAACGCGCGTTGCCTCAACACGGATGGCTCCTTCCGCTGCATCTGCCGCCCGG[G>A]ATTCGCACCCACGCACCAGCCGCACCACTGTGCGCCCGCACGGCCCCGGGCCTGAGCCCT-3'
Protein context (NP_001036010.1, residues 1530-1550): DGSFRCICRP[Gly1540Glu]FAPTHQPHHC